The following is an entry in ClinVar:

NM_032043.3(BRIP1):c.2867C>T (p.Ser956Leu)

Gene: BRIP1 (BRCA1 interacting DNA helicase 1; minus strand). Cytogenetic location: 17q23.2.
Variant type: single nucleotide variant.
Coding change: c.2867C>T on transcript NM_032043.3 (MANE Select); coding-DNA position 2867, C replaced by T.
Protein change: p.Ser956Leu; replaces serine 956 with leucine.
Molecular consequence: missense variant.
Genome position (GRCh38, 1-based): chr17:61,685,874, G>A on the plus strand (C>T on the coding strand, the complement: BRIP1 is on the minus strand). VCF-style: chr17-61685874-G-A. GRCh37 (hg19) VCF-style: chr17-59763235-G-A.
Other names: short protein forms S956L.
Identifiers: ClinVar variation 937416 (VCV000937416.17), dbSNP rs761639530, ClinGen allele CA400481250.

ClinVar aggregate classification (germline): Conflicting classifications of pathogenicity. Review status: criteria provided, conflicting classifications (1 of 4 stars). 5 submissions from 5 submitters: Uncertain significance (4); Likely benign (1). Last evaluated 2024-12-15.

Conditions:
Familial cancer of breast. Also called: hereditary breast carcinoma; BREAST CANCER, FAMILIAL; Hereditary breast cancer. Identifiers: Orphanet 227535, MedGen C0346153, MONDO:0016419, OMIM 114480. Disease mechanism: loss of function.
Fanconi anemia complementation group J. Also called: BRIP1-Related Fanconi Anemia. Identifiers: Orphanet 84, MedGen C1836860, MONDO:0012187, OMIM 609054.
Hereditary cancer-predisposing syndrome. Also called: Tumor predisposition; Hereditary neoplastic syndrome; Neoplastic Syndromes, Hereditary; Hereditary Cancer Syndrome. Identifiers: Orphanet 140162, MedGen C0027672, MeSH D009386, MONDO:0015356.

Allele frequency attached by ClinVar (database versions not stated): TOPMed below 0.00001; gnomAD 0.00001.
gnomAD v4.1: 1 of 1,613,376 alleles (0.000062%); highest among the groups gnomAD compares: African/African-American, 0.0013%; no homozygotes.

Submissions (5):

Labcorp Genetics (formerly Invitae), Labcorp
Classification: Uncertain significance for Familial cancer of breast; Fanconi anemia complementation group J. Last evaluated: 2024-12-15. Review status: criteria provided, single submitter. Criteria: Invitae Variant Classification Sherloc (09022015). Collection method: clinical testing. Allele origin: germline.
Comment: This sequence change replaces serine, which is neutral and polar, with leucine, which is neutral and non-polar, at codon 956 of the BRIP1 protein (p.Ser956Leu). This variant is present in population databases (no rsID available, gnomAD 0.01%). This missense change has been observed in individual(s) with breast cancer (PMID: 31871109). ClinVar contains an entry for this variant (Variation ID: 937416). Invitae Evidence Modeling of protein sequence and biophysical properties (such as structural, functional, and spatial information, amino acid conservation, physicochemical variation, residue mobility, and thermodynamic stability) indicates that this missense variant is not expected to disrupt BRIP1 protein function with a negative predictive value of 95%. In summary, the available evidence is currently insufficient to determine the role of this variant in disease. Therefore, it has been classified as a Variant of Uncertain Significance.

Ambry Genetics
Classification: Likely benign for Hereditary cancer-predisposing syndrome. Last evaluated: 2024-08-28. Review status: criteria provided, single submitter. Criteria: Ambry Variant Classification Scheme 2023. Collection method: clinical testing. Allele origin: germline.

GeneDx
Classification: Uncertain significance. Last evaluated: 2023-05-10. Review status: criteria provided, single submitter. Criteria: GeneDx Variant Classification Process June 2021. Collection method: clinical testing. Allele origin: germline. Affected: yes.
Comment: Not observed at significant frequency in large population cohorts (gnomAD); In silico analysis supports that this missense variant does not alter protein structure/function; Observed in a breast cancer study, but it is not clear if the variant was identified in case(s) or control(s) (Adedokun et al., 2020); This variant is associated with the following publications: (PMID: 31871109)

Fulgent Genetics
Classification: Uncertain significance for Familial cancer of breast; Fanconi anemia complementation group J. Last evaluated: 2022-04-22. Review status: criteria provided, single submitter. Criteria: ACMG Guidelines, 2015. Collection method: clinical testing. Allele origin: unknown.

Genetic Services Laboratory, University of Chicago
Classification: Uncertain significance. Last evaluated: 2021-04-29. Review status: criteria provided, single submitter. Criteria: ACMG Guidelines, 2015. Collection method: clinical testing. Allele origin: germline. Affected: no.
Comment: DNA sequence analysis of the BRIP1 gene demonstrated a sequence change, c.2867C>T, in exon 19 that results in an amino acid change, p.Ser956Leu. This sequence change has been described in gnomAD with a frequency of 0.012% in the African sub-population (dbSNP rs761639530). The p.Ser956Leu change affects a poorly conserved amino acid residue located in a domain of the BRIP1 protein that is not known to be functional. The p.Ser956Leu substitution appears to be benign using several in-silico pathogenicity prediction tools (SIFT, PolyPhen2, Align GVGD, REVEL). This sequence change does not appear to have been previously described in patients with BRIP1-related disorders. Due to the lack of sufficient evidences, the clinical significance of the p.Ser956Leu change remains unknown at this time.

Literature cited by the submitters: PubMed 31871109 (cited by Labcorp Genetics (formerly Invitae), Labcorp and Ambry Genetics).